The following is an entry in ClinVar:

NM_003716.4(CADPS):c.3883-9C>T

Gene: CADPS (calcium dependent secretion activator; minus strand). Cytogenetic location: 3p14.2.
Variant type: single nucleotide variant.
Coding change: c.3883-9C>T on transcript NM_003716.4 (MANE Select); 9 bases into the intron before coding-DNA position 3883, C replaced by T.
Molecular consequence: intron variant.
Genome position (GRCh38, 1-based): chr3:62,399,594, G>A on the plus strand (C>T on the coding strand, the complement: CADPS is on the minus strand). VCF-style: chr3-62399594-G-A. GRCh37 (hg19) VCF-style: chr3-62385269-G-A.
Other names: c.3646-9C>T (NM_183393.3); c.3766-9C>T (NM_183394.3).
Identifiers: ClinVar variation 3044973 (VCV003044973.2), dbSNP rs79260062, ClinGen allele CA2476133.

ClinVar aggregate classification (germline): Likely benign (0 of 4 stars; one submission).

Conditions:
CADPS-related disorder. Also called: CADPS-related condition.

Allele frequency attached by ClinVar (database versions not stated): ESP Exome Variant Server 0.00031; gnomAD exomes 0.00179; gnomAD 0.00223; ExAC 0.00471; 1000 Genomes Project 30x 0.00906; 1000 Genomes Project 0.00978.
gnomAD v4.1: 3,082 of 1,611,684 alleles (0.19%); highest among the groups gnomAD compares: East Asian, 5.4%; 75 homozygotes.

Submission:

PreventionGenetics, part of Exact Sciences
Classification: Likely benign for CADPS-related condition. Last evaluated: 2019-11-04. Review status: no assertion criteria provided. Collection method: clinical testing. Allele origin: germline.
Comment: This variant is classified as likely benign based on ACMG/AMP sequence variant interpretation guidelines (Richards et al. 2015 PMID: 25741868, with internal and published modifications).